The following is an entry in ClinVar:

ClinVar aggregate classification (germline): Uncertain significance (1 of 4 stars; one submission).

Conditions:
PLXNA3-related disorder. Also called: PLXNA3-related condition.

gnomAD v4.1: 34 of 1,207,389 alleles (0.0028%); highest among the groups gnomAD compares: African/African-American, 0.01%; 1 homozygote.

Submission:

PreventionGenetics, part of Exact Sciences
Classification: Uncertain significance for PLXNA3-related condition. Last evaluated: 2026-05-19. Review status: criteria provided, single submitter. Criteria: ACMG Guidelines, 2015. Collection method: clinical testing. Allele origin: germline.
Comment: The PLXNA3 c.4609C>T variant is predicted to result in the amino acid substitution p.Arg1537Cys. To our knowledge, this variant has not been reported in the literature. This variant is reported in 0.037% of alleles in individuals of African descent in gnomAD. At this time, the clinical significance of this variant is uncertain due to the absence of conclusive functional and genetic evidence.

NM_017514.5(PLXNA3):c.4609C>T (p.Arg1537Cys)

Gene: PLXNA3 (plexin A3; plus strand). Cytogenetic location: Xq28.
Variant type: single nucleotide variant.
Coding change: c.4609C>T on transcript NM_017514.5 (MANE Select); coding-DNA position 4609, C replaced by T.
Protein change: p.Arg1537Cys; replaces arginine 1537 with cysteine.
Molecular consequence: missense variant.
Genome position (GRCh38, 1-based): chrX:154,469,393, C>T. VCF-style: chrX-154469393-C-T. GRCh37 (hg19) VCF-style: chrX-153697736-C-T.
Other names: short protein forms R1537C.
Identifiers: ClinVar variation 4979620 (VCV004979620.1).